The following is an entry in ClinVar:

ClinVar aggregate classification (germline): Uncertain significance. Review status: criteria provided, multiple submitters, no conflicts (2 of 4 stars). 3 submissions from 3 submitters: Uncertain significance (3). Last evaluated 2025-06-07.

Conditions:
Inborn genetic diseases. Identifiers: MedGen C0950123, MeSH D030342.

Allele frequency attached by ClinVar (database versions not stated): ExAC 0.00004; TOPMed 0.00002; gnomAD 0.00001.
gnomAD v4.1: 34 of 1,613,844 alleles (0.0021%); highest among the groups gnomAD compares: South Asian, 0.013%; no homozygotes.

Submissions (3):

Mayo Clinic Laboratories, Mayo Clinic
Classification: Uncertain significance. Last evaluated: 2025-06-07. Review status: criteria provided, single submitter. Criteria: ACMG Guidelines, 2015. Collection method: clinical testing. Allele origin: germline. Observed: 1 variant allele.

Ambry Genetics
Classification: Uncertain significance for Inborn genetic diseases. Last evaluated: 2025-05-15. Review status: criteria provided, single submitter. Criteria: Ambry Variant Classification Scheme 2023. Collection method: clinical testing. Allele origin: germline.

Labcorp Genetics (formerly Invitae), Labcorp
Classification: Uncertain significance. Last evaluated: 2025-03-26. Review status: criteria provided, single submitter. Criteria: Invitae Variant Classification Sherloc (09022015). Collection method: clinical testing. Allele origin: germline.
Comment: This sequence change replaces valine, which is neutral and non-polar, with methionine, which is neutral and non-polar, at codon 355 of the FBLN5 protein (p.Val355Met). This variant is present in population databases (rs754104809, gnomAD 0.02%). This missense change has been observed in individual(s) with clinical features of FBLN5-related conditions (internal data). ClinVar contains an entry for this variant (Variation ID: 2075912). Invitae Evidence Modeling of protein sequence and biophysical properties (such as structural, functional, and spatial information, amino acid conservation, physicochemical variation, residue mobility, and thermodynamic stability) indicates that this missense variant is not expected to disrupt FBLN5 protein function with a negative predictive value of 80%. In summary, the available evidence is currently insufficient to determine the role of this variant in disease. Therefore, it has been classified as a Variant of Uncertain Significance.

NM_006329.4(FBLN5):c.1063G>A (p.Val355Met)

Gene: FBLN5 (fibulin 5; minus strand). Cytogenetic location: 14q32.12.
Variant type: single nucleotide variant.
Coding change: c.1063G>A on transcript NM_006329.4 (MANE Select); coding-DNA position 1063, G replaced by A.
Protein change: p.Val355Met; replaces valine 355 with methionine.
Molecular consequence: missense variant.
Genome position (GRCh38, 1-based): chr14:91,877,609, C>T on the plus strand (G>A on the coding strand, the complement: FBLN5 is on the minus strand). VCF-style: chr14-91877609-C-T. GRCh37 (hg19) VCF-style: chr14-92343953-C-T.
Other names: p.Val355Met; c.1186G>A, p.Val396Met (NM_001384158.1); c.1114G>A, p.Val372Met (NM_001384159.1); c.1063G>A, p.Val355Met (NM_001384160.1); c.895G>A, p.Val299Met (NM_001384161.1, NM_001384162.1); short protein forms V372M, V355M, V299M, V396M.
Identifiers: ClinVar variation 2075912 (VCV002075912.6), dbSNP rs754104809, ClinGen allele CA7312626.